The following is an entry in ClinVar:

NM_001042492.3(NF1):c.7875A>G (p.Thr2625=)

Gene: NF1 (neurofibromin 1; plus strand). Cytogenetic location: 17q11.2.
Variant type: single nucleotide variant.
Coding change: c.7875A>G on transcript NM_001042492.3 (MANE Select); coding-DNA position 7875, A replaced by G.
Protein change: p.Thr2625=; no amino-acid change (threonine 2625 retained).
Molecular consequence: synonymous variant.
Genome position (GRCh38, 1-based): chr17:31,357,274, A>G. VCF-style: chr17-31357274-A-G. GRCh37 (hg19) VCF-style: chr17-29684292-A-G.
Other names: c.7812A>G, p.Thr2604= (NM_000267.4).
Identifiers: ClinVar variation 527673 (VCV000527673.16), dbSNP rs763646216, ClinGen allele CA8487687.

ClinVar aggregate classification (germline): Benign/Likely benign. Review status: criteria provided, multiple submitters, no conflicts (2 of 4 stars). 4 submissions from 4 submitters: Benign (1); Likely benign (3). Last evaluated 2026-05-22.

Conditions:
Hereditary cancer-predisposing syndrome. Also called: Neoplastic Syndromes, Hereditary; Hereditary Cancer Syndrome; Hereditary neoplastic syndrome; Tumor predisposition. Identifiers: Orphanet 140162, MedGen C0027672, MeSH D009386, MONDO:0015356.
Cardiovascular phenotype. Identifiers: MedGen CN230736.
Neurofibromatosis, type 1 (NF1). Also called: Neurofibromatosis, type I; NEUROFIBROMATOSIS, TYPE I, SOMATIC; Peripheral type neurofibromatosis; VON RECKLINGHAUSEN DISEASE. Identifiers: Orphanet 636, MedGen C0027831, MONDO:0018975, OMIM 162200. Disease mechanism: loss of function.

Allele frequency attached by ClinVar (database versions not stated): gnomAD 0.00001; gnomAD exomes 0.00001 and below 0.00001; TOPMed 0.00002; ExAC 0.00002.
gnomAD v4.1: 4 of 1,613,614 alleles (0.00025%); highest among the groups gnomAD compares: African/African-American, 0.0053%; no homozygotes.

Submissions (4):

Myriad Genetics, Inc.
Classification: Benign for Neurofibromatosis, type 1. Last evaluated: 2026-05-22. Review status: criteria provided, single submitter. Criteria: Myriad Autosomal Dominant, Autosomal Recessive and X-Linked Classification Criteria (2023). Collection method: clinical testing. Allele origin: unknown.
Comment: This variant is considered benign. This variant is a silent/synonymous amino acid change and it is not expected to impact splicing.

Labcorp Genetics (formerly Invitae), Labcorp
Classification: Likely benign for Neurofibromatosis, type 1. Last evaluated: 2026-02-03. Review status: criteria provided, single submitter. Criteria: Invitae Variant Classification Sherloc (09022015). Collection method: clinical testing. Allele origin: germline.

Genome-Nilou Lab
Classification: Likely benign for Neurofibromatosis, type 1. Last evaluated: 2022-03-15. Review status: criteria provided, single submitter. Criteria: ACMG Guidelines, 2015. Collection method: clinical testing. Allele origin: germline. Affected: no.

Ambry Genetics
Classification: Likely benign for Cardiovascular phenotype; Hereditary cancer-predisposing syndrome. Last evaluated: 2018-08-26. Review status: criteria provided, single submitter. Criteria: Ambry Variant Classification Scheme 2023. Collection method: clinical testing. Allele origin: germline.